The following is an entry in ClinVar:

ClinVar aggregate classification (germline): Benign/Likely benign. Review status: criteria provided, multiple submitters, no conflicts (2 of 4 stars). 5 submissions from 5 submitters: Benign (1); Likely benign (4). Last evaluated 2025-11-07.

Conditions:
Hereditary nonpolyposis colorectal neoplasms. Identifiers: MedGen C0009405, MeSH D003123.
Hereditary cancer-predisposing syndrome. Also called: Hereditary neoplastic syndrome; Tumor predisposition; Hereditary Cancer Syndrome; Neoplastic Syndromes, Hereditary. Identifiers: Orphanet 140162, MedGen C0027672, MeSH D009386, MONDO:0015356.
Lynch syndrome 4 (LYNCH4). Also called: Colorectal cancer, hereditary nonpolyposis, type 4; Hereditary non-polyposis colorectal cancer, type 4. Identifiers: Orphanet 144, MedGen C1838333, MONDO:0013699, OMIM 614337. Disease mechanism: loss of function.

Allele frequency attached by ClinVar (database versions not stated): TOPMed 0.00001.

Submissions (5):

Women's Health and Genetics/Laboratory Corporation of America, LabCorp
Classification: Likely benign. Last evaluated: 2025-11-07. Review status: criteria provided, single submitter. Criteria: LabCorp Variant Classification Summary - May 2015. Collection method: clinical testing. Allele origin: germline.

Myriad Genetics, Inc.
Classification: Benign for Lynch syndrome 4. Last evaluated: 2025-01-30. Review status: criteria provided, single submitter. Criteria: Myriad Autosomal Dominant, Autosomal Recessive and X-Linked Classification Criteria (2023). Collection method: clinical testing. Allele origin: unknown.
Comment: This variant is considered benign. This variant is a silent/synonymous amino acid change and it is not expected to impact splicing.

Labcorp Genetics (formerly Invitae), Labcorp
Classification: Likely benign for Hereditary nonpolyposis colorectal neoplasms. Last evaluated: 2023-08-09. Review status: criteria provided, single submitter. Criteria: Invitae Variant Classification Sherloc (09022015). Collection method: clinical testing. Allele origin: germline.

Ambry Genetics
Classification: Likely benign for Hereditary cancer-predisposing syndrome. Last evaluated: 2017-02-27. Review status: criteria provided, single submitter. Criteria: Ambry Variant Classification Scheme 2023. Collection method: clinical testing. Allele origin: germline.

GeneDx
Classification: Likely benign. Last evaluated: 2017-01-31. Review status: criteria provided, single submitter. Criteria: GeneDx Variant Classification (06012015). Collection method: clinical testing. Allele origin: germline. Affected: yes.
Comment: This variant is considered likely benign or benign based on one or more of the following criteria: it is a conservative change, it occurs at a poorly conserved position in the protein, it is predicted to be benign by multiple in silico algorithms, and/or has population frequency not consistent with disease.

NM_000535.7(PMS2):c.1191A>G (p.Val397=)

Gene: PMS2 (PMS1 homolog 2, mismatch repair system component; minus strand). Cytogenetic location: 7p22.1.
Variant type: single nucleotide variant.
Coding change: c.1191A>G on transcript NM_000535.7 (MANE Select); coding-DNA position 1191, A replaced by G.
Protein change: p.Val397=; no amino-acid change (valine 397 retained).
Molecular consequence: synonymous variant. On other transcripts: non-coding transcript variant (1).
Genome position (GRCh38, 1-based): chr7:5,987,574, T>C on the plus strand (A>G on the coding strand, the complement: PMS2 is on the minus strand). VCF-style: chr7-5987574-T-C. GRCh37 (hg19) VCF-style: chr7-6027205-T-C.
Other names: c.786A>G, p.Val262= (NM_001322003.2, NM_001322004.2, NM_001322005.2 and 1 more transcripts); c.1035A>G, p.Val345= (NM_001322006.2); c.873A>G, p.Val291= (NM_001322007.2, NM_001322008.2); c.630A>G, p.Val210= (NM_001322010.2); c.258A>G, p.Val86= (NM_001322011.2, NM_001322012.2); c.618A>G, p.Val206= (NM_001322013.2); c.1191A>G, p.Val397= (NM_001322014.2); c.882A>G, p.Val294= (NM_001322015.2).
Identifiers: ClinVar variation 220597 (VCV000220597.17), dbSNP rs864622595, ClinGen allele CA349788.
Genomic context (GRCh38, chr7:5,987,574, plus strand): 5'-AATGGACACGTCTTTTTTTTCTTCTCCAGTCCTTAATGAAGGGGATTGATCCTGCTTTTC[T>C]ACCATGGGCTTTTCCAAATCCGCTGCATGCATTTTTATTAAGTTACCTAAGCAAACGTGG-3'
Protein context (NP_000526.2, residues 387-407): MHAADLEKPM[Val397=]EKQDQSPSLR